The following is an entry in ClinVar:

NM_000038.6(APC):c.1365del (p.Lys455fs)

Gene: APC (APC regulator of Wnt signaling pathway; plus strand). Cytogenetic location: 5q22.2.
Variant type: Deletion.
Coding change: c.1365del on transcript NM_000038.6 (MANE Select); coding-DNA position 1365, one base deleted (A; older notation c.1365delA).
Protein change: p.Lys455fs; shifts the reading frame from lysine 455.
Molecular consequence: frameshift variant. On other transcripts: non-coding transcript variant (2).
Genome position (GRCh38, 1-based): chr5:112,821,948, A deleted; the last of 3 consecutive A bases (chr5:112,821,946-112,821,948); deleting any one gives the same sequence. VCF-style (leftmost placement, unchanged base first): chr5-112821945-GA-G. GRCh37 (hg19) VCF-style: chr5-112157642-GA-G.
Other names: c.1365del, p.Lys455fs (NM_001127510.3, NM_001354895.2, NM_001354896.2 and 4 more transcripts); c.1311del, p.Lys437fs (NM_001127511.3); c.1395del, p.Lys465fs (NM_001354897.2, NM_001407446.1); c.1290del, p.Lys430fs (NM_001354898.2, NM_001407451.1); c.1281del, p.Lys427fs (NM_001354899.2, NM_001407452.1); c.1188del, p.Lys396fs (NM_001354900.2, NM_001354901.2, NM_001407453.1); c.1092del, p.Lys364fs (NM_001354902.2); c.1062del, p.Lys354fs (NM_001354903.2, NM_001407454.1, NM_001407455.1 and 5 more transcripts); and 5 more; short protein forms K172fs, K295fs, K326fs, K329fs, K354fs, K364fs, K396fs, K427fs.
Identifiers: ClinVar variation 2584093 (VCV002584093.2), dbSNP rs2533109349, ClinGen allele CA2581463394.

ClinVar aggregate classification (germline): Pathogenic (1 of 4 stars; one submission).

Conditions:
Familial adenomatous polyposis 1 (FAP1). Also called: FAMILIAL ADENOMATOUS POLYPOSIS 1, ATTENUATED; POLYPOSIS, ADENOMATOUS INTESTINAL. Identifiers: MedGen C2713442, MONDO:0021056, OMIM 175100. Disease mechanism: loss of function.

Submission:

Myriad Genetics, Inc.
Classification: Pathogenic for Familial adenomatous polyposis 1. Last evaluated: 2023-05-01. Review status: criteria provided, single submitter. Criteria: Myriad Autosomal Dominant, Autosomal Recessive and X-Linked Classification Criteria (2023). Collection method: clinical testing. Allele origin: unknown.
Comment: This variant is considered pathogenic. This variant creates a frameshift predicted to result in premature protein truncation.